The following is an entry in ClinVar:

ClinVar aggregate classification (germline): Likely benign. Review status: criteria provided, multiple submitters, no conflicts (2 of 4 stars). 8 submissions from 8 submitters: Likely benign (5). 3 of the submissions do not count toward it. Last evaluated 2026-09-21.

Conditions:
NEXN-related disorder. Also called: NEXN-related condition; NEXN-related disorders.
Hypertrophic cardiomyopathy 20. Identifiers: MedGen C3151267, MONDO:0013477, OMIM 613876.
Dilated cardiomyopathy 1CC (CMD1CC). Identifiers: Orphanet 154, MedGen C2751084, MONDO:0013147, OMIM 613122.

Allele frequency attached by ClinVar (database versions not stated): gnomAD exomes 0.00002 and 0.00001; ExAC 0.00003; ESP Exome Variant Server 0.00017; 1000 Genomes Project 30x 0.00016; 1000 Genomes Project 0.00020; TOPMed 0.00009; gnomAD 0.00011.

Submissions (8):

Molecular Diagnostic Laboratory for Inherited Cardiovascular Disease, Montreal Heart Institute
Classification: Likely benign. Last evaluated: 2026-09-21. Review status: criteria provided, single submitter. Criteria: ACMG Guidelines, 2015. Collection method: clinical testing. Allele origin: germline. Affected: no.
Comment: BP4

Labcorp Genetics (formerly Invitae), Labcorp
Classification: Likely benign for Dilated cardiomyopathy 1CC; Hypertrophic cardiomyopathy 20. Last evaluated: 2025-11-03. Review status: criteria provided, single submitter. Criteria: Invitae Variant Classification Sherloc (09022015). Collection method: clinical testing. Allele origin: germline.

Blueprint Genetics
Classification: Likely benign. Last evaluated: 2024-11-11. Review status: criteria provided, single submitter. Criteria: ACMG Guidelines, 2015. Collection method: clinical testing. Allele origin: germline.

GeneDx
Classification: Likely benign. Last evaluated: 2018-08-09. Review status: criteria provided, single submitter. Criteria: GeneDx Variant Classification Process June 2021. Collection method: clinical testing. Allele origin: germline. Affected: yes.

Laboratory for Molecular Medicine, Mass General Brigham Personalized Medicine
Classification: Likely benign. Last evaluated: 2016-11-17. Review status: criteria provided, single submitter. Criteria: LMM Criteria. Collection method: clinical testing. Allele origin: germline. Observed: 1 variant allele.
Comment: c.688-10G>A in intron 7 of NEXN: This variant is not expected to have clinical s ignificance because it is not located within the splice consensus sequence. It has been identified in 4/9752 of African chromosomes by the Exome Aggregation Co nsortium (ExAC; dbSNP rs370574269).

PreventionGenetics, part of Exact Sciences
Classification: Likely benign for NEXN-related condition. Last evaluated: 2019-04-25. Review status: no assertion criteria provided. Collection method: clinical testing. Allele origin: germline. Not counted in ClinVar's aggregate classification.
Comment: This variant is classified as likely benign based on ACMG/AMP sequence variant interpretation guidelines (Richards et al. 2015 PMID: 25741868, with internal and published modifications).

Clinical Genetics DNA and cytogenetics Diagnostics Lab, Erasmus MC, Erasmus Medical Center
Classification: Likely benign. Review status: no assertion criteria provided. Collection method: clinical testing. Allele origin: germline. Affected: yes. Study: VKGL Data-share Consensus. Not counted in ClinVar's aggregate classification.

Diagnostic Laboratory, Department of Genetics, University Medical Center Groningen
Classification: Likely benign. Review status: no assertion criteria provided. Collection method: clinical testing. Allele origin: germline. Affected: yes. Study: VKGL Data-share Consensus. Not counted in ClinVar's aggregate classification.

NM_144573.4(NEXN):c.688-10G>A

Gene: NEXN (nexilin F-actin binding protein; plus strand). Cytogenetic location: 1p31.1.
Variant type: single nucleotide variant.
Coding change: c.688-10G>A on transcript NM_144573.4 (MANE Select); 10 bases into the intron before coding-DNA position 688, G replaced by A.
Molecular consequence: intron variant.
Genome position (GRCh38, 1-based): chr1:77,926,706, G>A. VCF-style: chr1-77926706-G-A. GRCh37 (hg19) VCF-style: chr1-78392391-G-A.
Other names: c.496-10G>A (NM_001172309.2).
Identifiers: ClinVar variation 241867 (VCV000241867.25), dbSNP rs370574269, ClinGen allele CA918717.